The following is an entry in ClinVar:

NM_024757.5(EHMT1):c.3374+3G>A

Gene: EHMT1 (euchromatic histone lysine methyltransferase 1; plus strand). Cytogenetic location: 9q34.3.
Variant type: single nucleotide variant.
Coding change: c.3374+3G>A on transcript NM_024757.5 (MANE Select); 3 bases into the intron after coding-DNA position 3374, G replaced by A.
Molecular consequence: intron variant.
Genome position (GRCh38, 1-based): chr9:137,816,065, G>A. VCF-style: chr9-137816065-G-A. GRCh37 (hg19) VCF-style: chr9-140710517-G-A.
Other names: c.3353+3G>A (NM_001354263.2).
Identifiers: ClinVar variation 581181 (VCV000581181.7), dbSNP rs759589106, ClinGen allele CA5375272.

ClinVar aggregate classification (germline): Uncertain significance (1 of 4 stars; one submission).

Conditions:
Kleefstra syndrome 1 (KLEFS1). Identifiers: Orphanet 261494, MedGen C0795833, MONDO:0027407, OMIM 610253.

Allele frequency attached by ClinVar (database versions not stated): TOPMed below 0.00001; ExAC 0.00004; gnomAD exomes 0.00001; gnomAD 0.00001.
gnomAD v4.1: 9 of 1,608,936 alleles (0.00056%); highest among the groups gnomAD compares: South Asian, 0.0056%; no homozygotes.

Submission:

Labcorp Genetics (formerly Invitae), Labcorp
Classification: Uncertain significance for Kleefstra syndrome 1. Last evaluated: 2017-11-21. Review status: criteria provided, single submitter. Criteria: Invitae Variant Classification Sherloc (09022015). Collection method: clinical testing. Allele origin: germline.
Comment: This sequence change falls in intron 23 of the EHMT1 gene. It does not directly change the encoded amino acid sequence of the EHMT1 protein, but it affects a nucleotide within the consensus splice site of the intron. This variant is present in population databases (rs759589106, ExAC 0.02%). This variant has not been reported in the literature in individuals with EHMT1-related disease. Nucleotide substitutions within the consensus splice site are a relatively common cause of aberrant splicing (PMID: 17576681, 9536098). Algorithms developed to predict the effect of sequence changes on RNA splicing suggest that this variant is not likely to affect RNA splicing, but this prediction has not been confirmed by published transcriptional studies. In summary, the available evidence is currently insufficient to determine the role of this variant in disease. Therefore, it has been classified as a Variant of Uncertain Significance.

Literature cited by the submitters: PubMed 17576681; PubMed 9536098.